The following is an entry in ClinVar:

ClinVar aggregate classification (germline): Benign. Review status: criteria provided, single submitter (1 of 4 stars). 2 submissions from 2 submitters: Benign (1). 1 of the submissions does not count toward it. Last evaluated 2019-12-31.

Conditions:
ITPR3-related disorder. Also called: ITPR3-related condition.

Allele frequency attached by ClinVar (database versions not stated): gnomAD 0.00627 and 0.00662; ESP Exome Variant Server 0.00669; 1000 Genomes Project 0.00739; 1000 Genomes Project 30x 0.00812; TOPMed 0.00703; ExAC 0.00205.
gnomAD v4.1: 1,802 of 1,614,106 alleles (0.11%); highest among the groups gnomAD compares: African/African-American, 2%; 16 homozygotes.

Submissions (3):

Labcorp Genetics (formerly Invitae), Labcorp
Classification: Benign. Last evaluated: 2019-12-31. Review status: criteria provided, single submitter. Criteria: Invitae Variant Classification Sherloc (09022015). Collection method: clinical testing. Allele origin: germline.

PreventionGenetics, part of Exact Sciences
Classification: Likely benign for ITPR3-related condition. Last evaluated: 2019-04-09. Review status: no assertion criteria provided. Collection method: clinical testing. Allele origin: germline. Not counted in ClinVar's aggregate classification.
Comment: This variant is classified as likely benign based on ACMG/AMP sequence variant interpretation guidelines (Richards et al. 2015 PMID: 25741868, with internal and published modifications).

Dr. Peter K. Rogan Lab, Western University
No classification provided (evidence only). Condition: Ovarian serous cystadenocarcinoma. Review status: no classification provided. Collection method: in vitro. Allele origin: not applicable. Functional consequence: retained intron. Not counted in ClinVar's aggregate classification.

NM_002224.4(ITPR3):c.7192G>C (p.Glu2398Gln)

Gene: ITPR3 (inositol 1,4,5-trisphosphate receptor type 3; plus strand). Cytogenetic location: 6p21.31.
Variant type: single nucleotide variant.
Coding change: c.7192G>C on transcript NM_002224.4 (MANE Select); coding-DNA position 7192, G replaced by C.
Protein change: p.Glu2398Gln; replaces glutamic acid 2398 with glutamine.
Molecular consequence: missense variant.
Genome position (GRCh38, 1-based): chr6:33,691,076, G>C. VCF-style: chr6-33691076-G-C. GRCh37 (hg19) VCF-style: chr6-33658853-G-C.
Other names: NC_000006.11:g.33658853G>C; short protein forms E2398Q.
Identifiers: ClinVar variation 717724 (VCV000717724.7), dbSNP rs2229641, ClinGen allele CA3762109.